The following is an entry in ClinVar:

ClinVar aggregate classification (germline): Likely benign. Review status: criteria provided, multiple submitters, no conflicts (2 of 4 stars). 3 submissions from 2 submitters: Likely benign (3). Last evaluated 2024-10-29.

Conditions:
Familial visceral amyloidosis, Ostertag type (AMYLD2). Also called: Hereditary Renal Amyloidosis; Ostertag type amyloidosis; Familial visceral amyloidosis; Amyloidosis, hepatic and systemic; AMYLOIDOSIS, HEREDITARY SYSTEMIC 2; AMYLOIDOSIS VIII. Identifiers: Orphanet 85450, MedGen C0268389, MONDO:0007099, OMIM 105200.
Hypoalphalipoproteinemia, primary, 1. Identifiers: Orphanet 425, MedGen C5231558, MONDO:0011393, OMIM 604091.

Allele frequency attached by ClinVar (database versions not stated): ExAC 0.00011; gnomAD exomes 0.00011; gnomAD 0.00013 and 0.00014; TOPMed 0.00014; ESP Exome Variant Server 0.00018.

Submissions (3):

Blueprint Genetics
Classification: Likely benign. Last evaluated: 2024-10-29. Review status: criteria provided, single submitter. Criteria: ACMG Guidelines, 2015. Collection method: clinical testing. Allele origin: germline.

Illumina Laboratory Services, Illumina
Classification: Likely benign for Familial visceral amyloidosis, Ostertag type. Last evaluated: 2018-01-13. Review status: criteria provided, single submitter. Criteria: ICSL Variant Classification Criteria 13 December 2019. Collection method: clinical testing. Allele origin: germline.
Comment: This variant was observed in the ICSL laboratory as part of a predisposition screen in an ostensibly healthy population. It had not been previously curated by ICSL or reported in the Human Gene Mutation Database (HGMD: prior to June 1st, 2018), and was therefore a candidate for classification through an automated scoring system. Utilizing variant allele frequency, disease prevalence and penetrance estimates, and inheritance mode, an automated score was calculated to assess if this variant is too frequent to cause the disease. Based on the score and internal cut-off values, a variant classified as likely benign is not then subjected to further curation. The score for this variant resulted in a classification of likely benign for this disease.

Illumina Laboratory Services, Illumina
Classification: Likely benign for Hypoalphalipoproteinemia, primary, 1. Last evaluated: 2018-01-13. Review status: criteria provided, single submitter. Criteria: ICSL Variant Classification Criteria 13 December 2019. Collection method: clinical testing. Allele origin: germline.
Comment: the same text as in the submission from Illumina Laboratory Services, Illumina above.

NM_000039.3(APOA1):c.*17C>T

Gene: APOA1 (apolipoprotein A1; minus strand). Cytogenetic location: 11q23.3.
Variant type: single nucleotide variant.
Coding change: c.*17C>T on transcript NM_000039.3 (MANE Select); 17 bases downstream of the stop codon, C replaced by T.
Molecular consequence: 3 prime UTR variant.
Genome position (GRCh38, 1-based): chr11:116,835,791, G>A on the plus strand (C>T on the coding strand, the complement: APOA1 is on the minus strand). VCF-style: chr11-116835791-G-A. GRCh37 (hg19) VCF-style: chr11-116706507-G-A.
Other names: c.*17C>T (NM_001318017.2, NM_001318018.2, NM_001318021.2).
Identifiers: ClinVar variation 877608 (VCV000877608.5), dbSNP rs370532459, ClinGen allele CA6289737.
Genomic context (GRCh38, chr11:116,835,791, plus strand): 5'-TCCCAAAAGAAAGAAGCTGCTTCCCACTTTGGAAACGTTTATTCTGAGCACCGGGAAGGG[G>A]GGCGGCGGCGGGCGCCTCACTGGGTGTTGAGCTTCTTAGTGTACTCCTCGAGAGCGCTCA-3'